The following is an entry in ClinVar:

NM_000159.4(GCDH):c.1092C>T (p.Pro364=)

Gene: GCDH (glutaryl-CoA dehydrogenase; plus strand). Cytogenetic location: 19p13.13.
Variant type: single nucleotide variant.
Coding change: c.1092C>T on transcript NM_000159.4 (MANE Select); coding-DNA position 1092, C replaced by T.
Protein change: p.Pro364=; no amino-acid change (proline 364 retained).
Molecular consequence: synonymous variant. On other transcripts: non-coding transcript variant (2).
Genome position (GRCh38, 1-based): chr19:12,897,712, C>T. VCF-style: chr19-12897712-C-T. GRCh37 (hg19) VCF-style: chr19-13008526-C-T.
Other names: c.1092C>T, p.Pro364= (NM_013976.5); c.1092C>T (NM_000159.2).
Identifiers: ClinVar variation 758333 (VCV000758333.28), dbSNP rs146363703, ClinGen allele CA9234613.

ClinVar aggregate classification (germline): Likely benign. Review status: criteria provided, multiple submitters, no conflicts (2 of 4 stars). 4 submissions from 4 submitters: Likely benign (3). 1 of the submissions does not count toward it. Last evaluated 2025-11-18.

Conditions:
Inborn genetic diseases. Identifiers: MedGen C0950123, MeSH D030342.
Glutaric aciduria, type 1. Also called: Glutaricacidemia Type 1; Glutaricaciduria, type I; Glutaric Acidemia Type 1; GA I; Glutaric acidemia type I; Glutaryl-CoA dehydrogenase deficiency. Identifiers: Orphanet 25, MedGen C0268595, MONDO:0009281, OMIM 231670.

Allele frequency attached by ClinVar (database versions not stated): gnomAD exomes 0.00004; gnomAD 0.00005 and 0.00006; ExAC 0.00006; TOPMed 0.00007; ESP Exome Variant Server 0.00015; 1000 Genomes Project 0.00040; 1000 Genomes Project 30x 0.00047.
gnomAD v4.1: 75 of 1,614,118 alleles (0.0046%); highest among the groups gnomAD compares: Middle Eastern, 0.049%; no homozygotes.

Submissions (4):

Labcorp Genetics (formerly Invitae), Labcorp
Classification: Likely benign for Glutaric aciduria, type 1. Last evaluated: 2025-11-18. Review status: criteria provided, single submitter. Criteria: Invitae Variant Classification Sherloc (09022015). Collection method: clinical testing. Allele origin: germline.

CeGaT Center for Human Genetics Tuebingen
Classification: Likely benign. Last evaluated: 2024-12-01. Review status: criteria provided, single submitter. Criteria: CeGaT Center For Human Genetics Tuebingen Variant Classification Criteria Version 2. Collection method: clinical testing. Allele origin: germline. Affected: yes. Observed: 1 variant allele.
Comment: GCDH: BP4, BP7

Ambry Genetics
Classification: Likely benign for Inborn genetic diseases. Last evaluated: 2021-01-23. Review status: criteria provided, single submitter. Criteria: Ambry Variant Classification Scheme 2023. Collection method: clinical testing. Allele origin: germline.

Natera, Inc.
Classification: Uncertain significance for Glutaric acidemia type 1. Last evaluated: 2020-01-24. Review status: no assertion criteria provided. Collection method: clinical testing. Allele origin: germline. Not counted in ClinVar's aggregate classification.